The following is an entry in ClinVar:

ClinVar aggregate classification (germline): Uncertain significance (1 of 4 stars; one submission).

Conditions:
Multiple endocrine neoplasia type 4. Also called: MULTIPLE ENDOCRINE NEOPLASIA, TYPE IV. Identifiers: Orphanet 276152, MedGen C1970712, MONDO:0012552, OMIM 610755.

Submission:

Labcorp Genetics (formerly Invitae), Labcorp
Classification: Uncertain significance for Multiple endocrine neoplasia type 4. Last evaluated: 2023-11-27. Review status: criteria provided, single submitter. Criteria: Invitae Variant Classification Sherloc (09022015). Collection method: clinical testing. Allele origin: germline.
Comment: This sequence change replaces arginine, which is basic and polar, with serine, which is neutral and polar, at codon 113 of the CDKN1B protein (p.Arg113Ser). This variant is not present in population databases (gnomAD no frequency). This variant has not been reported in the literature in individuals affected with CDKN1B-related conditions. ClinVar contains an entry for this variant (Variation ID: 849159). An algorithm developed to predict the effect of missense changes on protein structure and function (PolyPhen-2) suggests that this variant is likely to be tolerated. In summary, the available evidence is currently insufficient to determine the role of this variant in disease. Therefore, it has been classified as a Variant of Uncertain Significance.

NM_004064.5(CDKN1B):c.337C>A (p.Arg113Ser)

Gene: CDKN1B (cyclin dependent kinase inhibitor 1B; plus strand). Cytogenetic location: 12p13.1.
Variant type: single nucleotide variant.
Coding change: c.337C>A on transcript NM_004064.5 (MANE Select); coding-DNA position 337, C replaced by A.
Protein change: p.Arg113Ser; replaces arginine 113 with serine.
Molecular consequence: missense variant.
Genome position (GRCh38, 1-based): chr12:12,718,176, C>A. VCF-style: chr12-12718176-C-A. GRCh37 (hg19) VCF-style: chr12-12871110-C-A.
Other names: short protein forms R113S.
Identifiers: ClinVar variation 849159 (VCV000849159.9), dbSNP rs1946495615, ClinGen allele CA383970283.
Genomic context (GRCh38, chr12:12,718,176, plus strand): 5'-CGGCCCCCCAAAGGTGCCTGCAAGGTGCCGGCGCAGGAGAGCCAGGATGTCAGCGGGAGC[C>A]GCCCGGCGGCGCCTTTAATTGGGGCTCCGGCTAACTCTGAGGACACGCATTTGGTGGACC-3'
Protein context (NP_004055.1, residues 103-123): AQESQDVSGS[Arg113Ser]PAAPLIGAPA